The following is an entry in ClinVar:

NM_021120.4(DLG3):c.75C>G (p.Leu25=)

Gene: DLG3 (discs large MAGUK scaffold protein 3; plus strand). Cytogenetic location: Xq13.1.
Variant type: single nucleotide variant.
Coding change: c.75C>G on transcript NM_021120.4 (MANE Select); coding-DNA position 75, C replaced by G.
Protein change: p.Leu25=; no amino-acid change (leucine 25 retained).
Molecular consequence: synonymous variant.
Genome position (GRCh38, 1-based): chrX:70,445,276, C>G. VCF-style: chrX-70445276-C-G. GRCh37 (hg19) VCF-style: chrX-69665126-C-G.
Identifiers: ClinVar variation 3251006 (VCV003251006.18), dbSNP rs2086553526.

ClinVar aggregate classification (germline): Likely benign (1 of 4 stars; one submission).

gnomAD v4.1: 2 of 1,164,804 alleles (0.00017%); highest among the groups gnomAD compares: Non-Finnish European, 0.00023%; no homozygotes.

Submission:

CeGaT Center for Human Genetics Tuebingen
Classification: Likely benign. Last evaluated: 2024-06-01. Review status: criteria provided, single submitter. Criteria: CeGaT Center For Human Genetics Tuebingen Variant Classification Criteria Version 2. Collection method: clinical testing. Allele origin: germline. Affected: yes. Observed: 1 variant allele.
Comment: DLG3: PM2:Supporting, BP4, BP7